The following is an entry in ClinVar:

ClinVar aggregate classification (germline): Uncertain significance (1 of 4 stars; one submission).

Submission:

Labcorp Genetics (formerly Invitae), Labcorp
Classification: Uncertain significance. Last evaluated: 2022-03-28. Review status: criteria provided, single submitter. Criteria: Invitae Variant Classification Sherloc (09022015). Collection method: clinical testing. Allele origin: germline.
Comment: This sequence change replaces proline, which is neutral and non-polar, with serine, which is neutral and polar, at codon 533 of the MTPAP protein (p.Pro533Ser). This variant is not present in population databases (gnomAD no frequency). This variant has not been reported in the literature in individuals affected with MTPAP-related conditions. Algorithms developed to predict the effect of missense changes on protein structure and function output the following: SIFT: "Tolerated"; PolyPhen-2: "Benign"; Align-GVGD: "Class C0". The serine amino acid residue is found in multiple mammalian species, which suggests that this missense change does not adversely affect protein function. In summary, the available evidence is currently insufficient to determine the role of this variant in disease. Therefore, it has been classified as a Variant of Uncertain Significance.

NM_018109.4(MTPAP):c.1597C>T (p.Pro533Ser)

Gene: MTPAP (mitochondrial poly(A) polymerase; minus strand). Cytogenetic location: 10p11.23.
Variant type: single nucleotide variant.
Coding change: c.1597C>T on transcript NM_018109.4 (MANE Select); coding-DNA position 1597, C replaced by T.
Protein change: p.Pro533Ser; replaces proline 533 with serine.
Molecular consequence: missense variant.
Genome position (GRCh38, 1-based): chr10:30,313,761, G>A on the plus strand (C>T on the coding strand, the complement: MTPAP is on the minus strand). VCF-style: chr10-30313761-G-A. GRCh37 (hg19) VCF-style: chr10-30602690-G-A.
Other names: short protein forms P533S.
Identifiers: ClinVar variation 2114755 (VCV002114755.4), dbSNP rs2538445418, ClinGen allele CA376434314.